The following is an entry in ClinVar:

NM_001081.4(CUBN):c.*93C>A

Gene: CUBN (cubilin; minus strand). Cytogenetic location: 10p13.
Variant type: single nucleotide variant.
Coding change: c.*93C>A on transcript NM_001081.4 (MANE Select); 93 bases downstream of the stop codon, C replaced by A.
Molecular consequence: 3 prime UTR variant.
Genome position (GRCh38, 1-based): chr10:16,824,882, G>T on the plus strand (C>A on the coding strand, the complement: CUBN is on the minus strand). VCF-style: chr10-16824882-G-T. GRCh37 (hg19) VCF-style: chr10-16866881-G-T.
Identifiers: ClinVar variation 299352 (VCV000299352.7), dbSNP rs111644764, ClinGen allele CA10628284.
Genomic context (GRCh38, chr10:16,824,882, plus strand): 5'-TACAAATATTGATTCTATCCATGGTTTGGTGAAAAACCATACAAGTTCAGCTTATTCTCT[G>T]TGGCATCAGCAGGGGTCATGTATCAGGATGGCAGAGTGCTGTCCAGCGTGCTGCAGAGGG-3'

ClinVar aggregate classification (germline): Benign/Likely benign. Review status: criteria provided, multiple submitters, no conflicts (2 of 4 stars). 3 submissions from 3 submitters: Benign (1); Likely benign (2). Last evaluated 2021-06-23.

Conditions:
Imerslund-Grasbeck syndrome type 1 (IGS1). Also called: Megaloblastic anemia 1, Finnish type; MEGALOBLASTIC ANEMIA, 1; Imerslund-Gräsbeck syndrome 1. Identifiers: MedGen C4016819, MONDO:0100156, OMIM 261100.

Allele frequency attached by ClinVar (database versions not stated): gnomAD 0.01367 and 0.01273; gnomAD exomes 0.00173; 1000 Genomes Project 30x 0.01156; 1000 Genomes Project 0.01138; TOPMed 0.01414.
gnomAD v4.1: 3,239 of 860,122 alleles (0.38%); highest among the groups gnomAD compares: African/African-American, 4.4%; 78 homozygotes.

Submissions (3):

GeneDx
Classification: Likely benign. Last evaluated: 2021-06-23. Review status: criteria provided, single submitter. Criteria: GeneDx Variant Classification Process June 2021. Collection method: clinical testing. Allele origin: germline. Affected: yes.

Illumina Laboratory Services, Illumina
Classification: Benign for Imerslund-Grasbeck syndrome type 1. Last evaluated: 2018-01-13. Review status: criteria provided, single submitter. Criteria: ICSL Variant Classification Criteria 13 December 2019. Collection method: clinical testing. Allele origin: germline.
Comment: This variant was observed in the ICSL laboratory as part of a predisposition screen in an ostensibly healthy population. It had not been previously curated by ICSL or reported in the Human Gene Mutation Database (HGMD: prior to June 1st, 2018), and was therefore a candidate for classification through an automated scoring system. Utilizing variant allele frequency, disease prevalence and penetrance estimates, and inheritance mode, an automated score was calculated to assess if this variant is too frequent to cause the disease. Based on the score and internal cut-off values, a variant classified as benign is not then subjected to further curation. The score for this variant resulted in a classification of benign for this disease.

Breakthrough Genomics
Classification: Likely benign. Review status: criteria provided, single submitter. Criteria: ACMG Guidelines, 2015. Collection method: not provided. Allele origin: germline. Inheritance: Autosomal recessive inheritance. Affected: yes.